The following is an entry in ClinVar:

ClinVar aggregate classification (germline): Uncertain significance. Review status: criteria provided, multiple submitters, no conflicts (2 of 4 stars). 2 submissions from 2 submitters: Uncertain significance (2). Last evaluated 2023-03-03.

Conditions:
Hereditary cancer-predisposing syndrome. Also called: Hereditary Cancer Syndrome; Neoplastic Syndromes, Hereditary; Tumor predisposition; Hereditary neoplastic syndrome. Identifiers: Orphanet 140162, MedGen C0027672, MeSH D009386, MONDO:0015356.
Ataxia-telangiectasia syndrome (AT). Also called: Ataxia-telangiectasia, complementation group D; AT, COMPLEMENTATION GROUP C; ATAXIA-TELANGIECTASIA, COMPLEMENTATION GROUP A; ATAXIA-TELANGIECTASIA, FRESNO VARIANT; Ataxia-telangiectasia; LOUIS-BAR SYNDROME. Identifiers: Orphanet 100, MedGen C0004135, MONDO:0008840, OMIM 208900.

Submissions (2):

Ambry Genetics
Classification: Uncertain significance for Hereditary cancer-predisposing syndrome. Last evaluated: 2023-03-03. Review status: criteria provided, single submitter. Criteria: Ambry Variant Classification Scheme 2023. Collection method: clinical testing. Allele origin: germline.
Comment: The p.I1022V variant (also known as c.3064A>G), located in coding exon 19 of the ATM gene, results from an A to G substitution at nucleotide position 3064. The isoleucine at codon 1022 is replaced by valine, an amino acid with highly similar properties. This amino acid position is not well conserved in available vertebrate species. In addition, this alteration is predicted to be tolerated by in silico analysis. Since supporting evidence is limited at this time, the clinical significance of this alteration remains unclear.

Labcorp Genetics (formerly Invitae), Labcorp
Classification: Uncertain significance for Ataxia-telangiectasia syndrome. Last evaluated: 2019-11-14. Review status: criteria provided, single submitter. Criteria: Invitae Variant Classification Sherloc (09022015). Collection method: clinical testing. Allele origin: germline.
Comment: This sequence change replaces isoleucine with valine at codon 1022 of the ATM protein (p.Ile1022Val). The isoleucine residue is weakly conserved and there is a small physicochemical difference between isoleucine and valine. This variant is not present in population databases (ExAC no frequency). This variant has not been reported in the literature in individuals with ATM-related conditions. ClinVar contains an entry for this variant (Variation ID: 185803). Algorithms developed to predict the effect of missense changes on protein structure and function output the following: SIFT: "Tolerated"; PolyPhen-2: "Benign"; Align-GVGD: "Class C0". The valine amino acid residue is found in multiple mammalian species, suggesting that this missense change does not adversely affect protein function. These predictions have not been confirmed by published functional studies and their clinical significance is uncertain. In summary, the available evidence is currently insufficient to determine the role of this variant in disease. Therefore, it has been classified as a Variant of Uncertain Significance.

NM_000051.4(ATM):c.3064A>G (p.Ile1022Val)

Gene: ATM (ATM serine/threonine kinase; plus strand). Cytogenetic location: 11q22.3.
Variant type: single nucleotide variant.
Coding change: c.3064A>G on transcript NM_000051.4 (MANE Select); coding-DNA position 3064, A replaced by G.
Protein change: p.Ile1022Val; replaces isoleucine 1022 with valine.
Molecular consequence: missense variant.
Genome position (GRCh38, 1-based): chr11:108,271,393, A>G. VCF-style: chr11-108271393-A-G. GRCh37 (hg19) VCF-style: chr11-108142120-A-G.
Other names: c.3064A>G, p.Ile1022Val (NM_001351834.2); short protein forms I1022V.
Identifiers: ClinVar variation 185803 (VCV000185803.15), dbSNP rs786202470, ClinGen allele CA192997.